The following is an entry in ClinVar:

NM_015335.5(MED13L):c.5233C>G (p.Gln1745Glu)

Gene: MED13L (mediator complex subunit 13L; minus strand). Cytogenetic location: 12q24.21.
Variant type: single nucleotide variant.
Coding change: c.5233C>G on transcript NM_015335.5 (MANE Select); coding-DNA position 5233, C replaced by G.
Protein change: p.Gln1745Glu; replaces glutamine 1745 with glutamic acid.
Molecular consequence: missense variant.
Genome position (GRCh38, 1-based): chr12:115,980,881, G>C on the plus strand (C>G on the coding strand, the complement: MED13L is on the minus strand). VCF-style: chr12-115980881-G-C. GRCh37 (hg19) VCF-style: chr12-116418686-G-C.
Other names: short protein forms Q1745E.
Identifiers: ClinVar variation 2504155 (VCV002504155.2), dbSNP rs2499816666, ClinGen allele CA386880570.

ClinVar aggregate classification (germline): Uncertain significance (1 of 4 stars; one submission).

Allele frequency attached by ClinVar (database versions not stated): gnomAD exomes below 0.00001.
gnomAD v4.1: 3 of 1,613,430 alleles (0.00019%); highest among the groups gnomAD compares: Non-Finnish European, 0.00025%; no homozygotes.

Submission:

Centre of Medical Genetics, University Hospital Muenster
Classification: Uncertain significance. Last evaluated: 2023-04-17. Review status: criteria provided, single submitter. Criteria: ACMG Guidelines, 2015. Collection method: clinical testing. Allele origin: unknown. Affected: yes. Observed: 1 variant allele, 1 heterozygote.
Comment: ACMG categories: PM1,PM2,PP3